The following is an entry in ClinVar:

NM_001042545.2(LTBP4):c.2095G>A (p.Gly699Ser)

Gene: LTBP4 (latent transforming growth factor beta binding protein 4; plus strand). Cytogenetic location: 19q13.2.
Variant type: single nucleotide variant.
Coding change: c.2095G>A on transcript NM_001042545.2 (MANE Select); coding-DNA position 2095, G replaced by A.
Protein change: p.Gly699Ser; replaces glycine 699 with serine.
Molecular consequence: missense variant.
Genome position (GRCh38, 1-based): chr19:40,611,900, G>A. VCF-style: chr19-40611900-G-A. GRCh37 (hg19) VCF-style: chr19-41117806-G-A.
Other names: c.2296G>A, p.Gly766Ser (NM_001042544.1); c.2185G>A, p.Gly729Ser (NM_003573.2); short protein forms G699S, G729S, G766S.
Identifiers: ClinVar variation 4049904 (VCV004049904.2).

ClinVar aggregate classification (germline): Uncertain significance. Review status: criteria provided, multiple submitters, no conflicts (2 of 4 stars). 2 submissions from 2 submitters: Uncertain significance (2). Last evaluated 2025-10-03.

Conditions:
Inborn genetic diseases. Identifiers: MedGen C0950123, MeSH D030342.

gnomAD v4.1: 41 of 1,609,260 alleles (0.0025%); highest among the groups gnomAD compares: African/African-American, 0.012%; no homozygotes.

Submissions (2):

Labcorp Genetics (formerly Invitae), Labcorp
Classification: Uncertain significance. Last evaluated: 2025-10-03. Review status: criteria provided, single submitter. Criteria: Invitae Variant Classification Sherloc (09022015). Collection method: clinical testing. Allele origin: germline.
Comment: This sequence change replaces glycine, which is neutral and non-polar, with serine, which is neutral and polar, at codon 729 of the LTBP4 protein (p.Gly729Ser). This variant is present in population databases (rs369849704, gnomAD 0.01%). This variant has not been reported in the literature in individuals affected with LTBP4-related conditions. ClinVar contains an entry for this variant (Variation ID: 4049904). Experimental studies and prediction algorithms are not available or were not evaluated, and the functional significance of this variant is currently unknown. In summary, the available evidence is currently insufficient to determine the role of this variant in disease. Therefore, it has been classified as a Variant of Uncertain Significance.

Ambry Genetics
Classification: Uncertain significance for Inborn genetic diseases. Last evaluated: 2025-05-21. Review status: criteria provided, single submitter. Criteria: Ambry Variant Classification Scheme 2023. Collection method: clinical testing. Allele origin: germline.